The following is an entry in ClinVar:

NM_001365088.1(SLC12A6):c.1906A>G (p.Ile636Val)

Gene: SLC12A6 (solute carrier family 12 member 6; minus strand). Cytogenetic location: 15q14.
Variant type: single nucleotide variant.
Coding change: c.1906A>G on transcript NM_001365088.1 (MANE Select); coding-DNA position 1906, A replaced by G.
Protein change: p.Ile636Val; replaces isoleucine 636 with valine.
Molecular consequence: missense variant.
Genome position (GRCh38, 1-based): chr15:34,245,322, T>C on the plus strand (A>G on the coding strand, the complement: SLC12A6 is on the minus strand). VCF-style: chr15-34245322-T-C. GRCh37 (hg19) VCF-style: chr15-34537523-T-C.
Other names: c.1729A>G, p.Ile577Val (NM_001042494.2, NM_001042495.2); c.1879A>G, p.Ile627Val (NM_001042496.2); c.1861A>G, p.Ile621Val (NM_001042497.2); c.1753A>G, p.Ile585Val (NM_005135.2); c.1906A>G, p.Ile636Val (NM_133647.2); short protein forms I636V, I577V, I585V, I621V, I627V.
Identifiers: ClinVar variation 3719651 (VCV003719651.3).

ClinVar aggregate classification (germline): Uncertain significance. Review status: criteria provided, multiple submitters, no conflicts (2 of 4 stars). 2 submissions from 2 submitters: Uncertain significance (2). Last evaluated 2025-06-25.

Conditions:
Inborn genetic diseases. Identifiers: MedGen C0950123, MeSH D030342.

gnomAD v4.1: 13 of 1,611,154 alleles (0.00081%); highest among the groups gnomAD compares: South Asian, 0.014%; no homozygotes.

Submissions (2):

Labcorp Genetics (formerly Invitae), Labcorp
Classification: Uncertain significance. Last evaluated: 2025-06-25. Review status: criteria provided, single submitter. Criteria: Invitae Variant Classification Sherloc (09022015). Collection method: clinical testing. Allele origin: germline.
Comment: This sequence change replaces isoleucine, which is neutral and non-polar, with valine, which is neutral and non-polar, at codon 636 of the SLC12A6 protein (p.Ile636Val). This variant is present in population databases (rs755201886, gnomAD 0.01%). This variant has not been reported in the literature in individuals affected with SLC12A6-related conditions. ClinVar contains an entry for this variant (Variation ID: 3719651). Invitae Evidence Modeling of protein sequence and biophysical properties (such as structural, functional, and spatial information, amino acid conservation, physicochemical variation, residue mobility, and thermodynamic stability) indicates that this missense variant is not expected to disrupt SLC12A6 protein function with a negative predictive value of 80%. In summary, the available evidence is currently insufficient to determine the role of this variant in disease. Therefore, it has been classified as a Variant of Uncertain Significance.

Ambry Genetics
Classification: Uncertain significance for Inborn genetic diseases. Last evaluated: 2025-03-01. Review status: criteria provided, single submitter. Criteria: Ambry Variant Classification Scheme 2023. Collection method: clinical testing. Allele origin: germline.